The following is an entry in ClinVar:

ClinVar aggregate classification (germline): Uncertain significance (1 of 4 stars; one submission).

Submission:

Labcorp Genetics (formerly Invitae), Labcorp
Classification: Uncertain significance. Last evaluated: 2025-02-25. Review status: criteria provided, single submitter. Criteria: Invitae Variant Classification Sherloc (09022015). Collection method: clinical testing. Allele origin: germline.
Comment: This sequence change replaces valine, which is neutral and non-polar, with aspartic acid, which is acidic and polar, at codon 819 of the ENPP1 protein (p.Val819Asp). This variant is not present in population databases (gnomAD no frequency). This variant has not been reported in the literature in individuals affected with ENPP1-related conditions. An algorithm developed to predict the effect of missense changes on protein structure and function (PolyPhen-2) suggests that this variant is likely to be tolerated. In summary, the available evidence is currently insufficient to determine the role of this variant in disease. Therefore, it has been classified as a Variant of Uncertain Significance.

NM_006208.3(ENPP1):c.2456T>A (p.Val819Asp)

Gene: ENPP1 (ectonucleotide pyrophosphatase/phosphodiesterase 1; plus strand). Cytogenetic location: 6q23.2.
Variant type: single nucleotide variant.
Coding change: c.2456T>A on transcript NM_006208.3 (MANE Select); coding-DNA position 2456, T replaced by A.
Protein change: p.Val819Asp; replaces valine 819 with aspartic acid.
Molecular consequence: missense variant.
Genome position (GRCh38, 1-based): chr6:131,886,573, T>A. VCF-style: chr6-131886573-T-A. GRCh37 (hg19) VCF-style: chr6-132207713-T-A.
Other names: short protein forms V819D.
Identifiers: ClinVar variation 4713133 (VCV004713133.1).